The following is an entry in ClinVar:

NM_001098.3(ACO2):c.1897C>T (p.Arg633Cys)

Genes: ACO2 (aconitase 2; plus strand), POLR3H (RNA polymerase III subunit H; minus strand). Cytogenetic location: 22q13.2.
Variant type: single nucleotide variant.
Coding change: c.1897C>T on transcript NM_001098.3 (MANE Select); coding-DNA position 1897, C replaced by T.
Protein change: p.Arg633Cys; replaces arginine 633 with cysteine.
Molecular consequence: missense variant. On other transcripts: 3 prime UTR variant (5).
Genome position (GRCh38, 1-based): chr22:41,526,397, C>T. VCF-style: chr22-41526397-C-T. GRCh37 (hg19) VCF-style: chr22-41922401-C-T.
Other names: c.*2886G>A (NM_001018050.4, NM_001018052.4, NM_001282884.2 and 2 more transcripts); short protein forms R633C.
Identifiers: ClinVar variation 1516650 (VCV001516650.8), dbSNP rs1345131134, ClinGen allele CA411728593.

ClinVar aggregate classification (germline): Uncertain significance (1 of 4 stars; one submission).

Allele frequency attached by ClinVar (database versions not stated): gnomAD exomes 0.00001; TOPMed 0.00001.
gnomAD v4.1: 16 of 1,613,826 alleles (0.00099%); highest among the groups gnomAD compares: Admixed American, 0.0017%; no homozygotes.

Submission:

Labcorp Genetics (formerly Invitae), Labcorp
Classification: Uncertain significance. Last evaluated: 2025-09-02. Review status: criteria provided, single submitter. Criteria: Invitae Variant Classification Sherloc (09022015). Collection method: clinical testing. Allele origin: germline.
Comment: This sequence change replaces arginine, which is basic and polar, with cysteine, which is neutral and slightly polar, at codon 633 of the ACO2 protein (p.Arg633Cys). This variant is present in population databases (no rsID available, gnomAD 0.003%). This variant has not been reported in the literature in individuals affected with ACO2-related conditions. ClinVar contains an entry for this variant (Variation ID: 1516650). Invitae Evidence Modeling of protein sequence and biophysical properties (such as structural, functional, and spatial information, amino acid conservation, physicochemical variation, residue mobility, and thermodynamic stability) indicates that this missense variant is not expected to disrupt ACO2 protein function with a negative predictive value of 80%. In summary, the available evidence is currently insufficient to determine the role of this variant in disease. Therefore, it has been classified as a Variant of Uncertain Significance.